The following is an entry in ClinVar:

NM_001048174.2(MUTYH):c.536C>T (p.Thr179Ile)

Gene: MUTYH (mutY DNA glycosylase; minus strand). Cytogenetic location: 1p34.1.
Variant type: single nucleotide variant.
Coding change: c.536C>T on transcript NM_001048174.2 (MANE Select); coding-DNA position 536, C replaced by T.
Protein change: p.Thr179Ile; replaces threonine 179 with isoleucine.
Molecular consequence: missense variant. On other transcripts: non-coding transcript variant (7).
Genome position (GRCh38, 1-based): chr1:45,332,644, G>A on the plus strand (C>T on the coding strand, the complement: MUTYH is on the minus strand). VCF-style: chr1-45332644-G-A. GRCh37 (hg19) VCF-style: chr1-45798316-G-A.
Other names: c.260C>T, p.Thr87Ile (NM_001293192.2, NM_001293196.2, NM_001407091.1); c.536C>T, p.Thr179Ile (NM_001293195.2, NM_001407070.1, NM_001407072.1 and 6 more transcripts); c.191C>T, p.Thr64Ile (NM_001350650.2, NM_001350651.2, NM_001407082.1); c.569C>T, p.Thr190Ile (NM_001407069.1, NM_001293191.2, NM_001407077.1); c.539C>T, p.Thr180Ile (NM_001407071.1, NM_001407086.1, NM_001048172.2 and 1 more transcripts); c.557C>T, p.Thr186Ile (NM_001407087.1); c.611C>T, p.Thr204Ile (NM_012222.3); c.620C>T, p.Thr207Ile (NM_001128425.2); and 5 more; short protein forms T64I, T151I, T165I, T180I, T194I, T204I, T207I, T190I.
Identifiers: ClinVar variation 4113768 (VCV004113768.2).

ClinVar aggregate classification (germline): Uncertain significance. Review status: criteria provided, multiple submitters, no conflicts (2 of 4 stars). 2 submissions from 2 submitters: Uncertain significance (2). Last evaluated 2026-01-27.

Conditions:
Familial adenomatous polyposis 2. Also called: COLORECTAL ADENOMATOUS POLYPOSIS, AUTOSOMAL RECESSIVE; ADENOMAS, MULTIPLE COLORECTAL, AUTOSOMAL RECESSIVE; MYH-associated polyposis; MUTYH-associated polyposis; MUTYH-related attenuated familial adenomatous polyposis; FAP type 2. Identifiers: Orphanet 220460, Orphanet 247798, MedGen C3272841, MONDO:0012041, OMIM 608456.
Hereditary cancer-predisposing syndrome. Also called: Tumor predisposition; Neoplastic Syndromes, Hereditary; Hereditary Cancer Syndrome; Hereditary neoplastic syndrome. Identifiers: Orphanet 140162, MedGen C0027672, MeSH D009386, MONDO:0015356.

gnomAD v4.1: 4 of 1,614,176 alleles (0.00025%); highest among the groups gnomAD compares: South Asian, 0.0044%; no homozygotes.

Submissions (2):

Labcorp Genetics (formerly Invitae), Labcorp
Classification: Uncertain significance for Familial adenomatous polyposis 2. Last evaluated: 2026-01-27. Review status: criteria provided, single submitter. Criteria: Invitae Variant Classification Sherloc (09022015). Collection method: clinical testing. Allele origin: germline.
Comment: This sequence change replaces threonine, which is neutral and polar, with isoleucine, which is neutral and non-polar, at codon 207 of the MUTYH protein (p.Thr207Ile). This variant is present in population databases (rs749896967, gnomAD 0.003%). This variant has not been reported in the literature in individuals affected with MUTYH-related conditions. ClinVar contains an entry for this variant (Variation ID: 4113768). An algorithm developed to predict the effect of missense changes on protein structure and function (PolyPhen-2) suggests that this variant is likely to be tolerated. In summary, the available evidence is currently insufficient to determine the role of this variant in disease. Therefore, it has been classified as a Variant of Uncertain Significance.

Ambry Genetics
Classification: Uncertain significance for Hereditary cancer-predisposing syndrome. Last evaluated: 2025-08-27. Review status: criteria provided, single submitter. Criteria: Ambry Variant Classification Scheme 2023. Collection method: clinical testing. Allele origin: germline.
Comment: The p.T207I variant (also known as c.620C>T), located in coding exon 8 of the MUTYH gene, results from a C to T substitution at nucleotide position 620. The threonine at codon 207 is replaced by isoleucine, an amino acid with similar properties. This amino acid position is conserved. In addition, this alteration is predicted to be tolerated by in silico analysis. Based on the available evidence, the clinical significance of this variant remains unclear.